The following is an entry in ClinVar:

NM_007294.4(BRCA1):c.4752C>T (p.Ala1584=)

Gene: BRCA1 (BRCA1 DNA repair associated; minus strand). Cytogenetic location: 17q21.31.
Variant type: single nucleotide variant.
Coding change: c.4752C>T on transcript NM_007294.4 (MANE Select); coding-DNA position 4752, C replaced by T.
Protein change: p.Ala1584=; no amino-acid change (alanine 1584 retained).
Molecular consequence: synonymous variant. On other transcripts: intron variant (1).
Genome position (GRCh38, 1-based): chr17:43,071,162, G>A on the plus strand (C>T on the coding strand, the complement: BRCA1 is on the minus strand). VCF-style: chr17-43071162-G-A. GRCh37 (hg19) VCF-style: chr17-41223179-G-A.
Other names: c.4626C>T, p.Ala1542= (NM_001407678.1, NM_001407679.1, NM_001407680.1 and 11 more transcripts); c.4623C>T, p.Ala1541= (NM_001407681.1, NM_001407682.1, NM_001407683.1 and 6 more transcripts); c.4752C>T, p.Ala1584= (NM_001407684.1, NM_001407854.1, NM_001407593.1 and 8 more transcripts); c.4620C>T, p.Ala1540= (NM_001407690.1, NM_001407691.1); c.4611C>T, p.Ala1537= (NM_001407692.1, NM_001407694.1, NM_001407695.1 and 13 more transcripts); c.4608C>T, p.Ala1536= (NM_001407732.1, NM_001407733.1, NM_001407734.1 and 21 more transcripts); c.4605C>T, p.Ala1535= (NM_001407838.1, NM_001407839.1, NM_001407841.1 and 12 more transcripts); c.4749C>T, p.Ala1583= (NM_001407858.1, NM_001407859.1, NM_001407860.1 and 17 more transcripts); and 71 more.
Identifiers: ClinVar variation 184362 (VCV000184362.7), dbSNP rs786201422, ClinGen allele CA003006.

ClinVar aggregate classification (germline): Likely benign. Review status: reviewed by expert panel (3 of 4 stars). 2 submissions from 2 submitters: Likely benign (1). 1 of the submissions does not count toward it. Last evaluated 2017-06-29.

Conditions:
Hereditary cancer-predisposing syndrome. Also called: Hereditary Cancer Syndrome; Hereditary neoplastic syndrome; Tumor predisposition; Neoplastic Syndromes, Hereditary. Identifiers: Orphanet 140162, MedGen C0027672, MeSH D009386, MONDO:0015356.
Breast-ovarian cancer, familial, susceptibility to, 1 (BROVCA1). Also called: OVARIAN CANCER, SUSCEPTIBILITY TO; BRCA1 Hereditary Breast and Ovarian Cancer. Identifiers: Orphanet 145, MedGen C2676676, MONDO:0011450, OMIM 604370. Disease mechanism: loss of function.

Submissions (2):

Evidence-based Network for the Interpretation of Germline Mutant Alleles (ENIGMA)
Classification: Likely benign for Breast-ovarian cancer, familial, susceptibility to, 1. Last evaluated: 2017-06-29. Review status: reviewed by expert panel. Criteria: ENIGMA BRCA1/2 Classification Criteria (2017-06-29). Collection method: curation. Allele origin: germline.
Comment: Synonymous substitution variant, with low bioinformatic likelihood to result in a splicing aberration (Splicing prior probability 0.02).

Ambry Genetics
Classification: Likely benign for Hereditary cancer-predisposing syndrome. Last evaluated: 2026-03-27. Review status: criteria provided, single submitter. Criteria: Ambry Variant Classification Scheme 2023. Collection method: clinical testing. Allele origin: germline. Not counted in ClinVar's aggregate classification.